The following is an entry in ClinVar:

NM_014915.3(ANKRD26):c.600G>T (p.Lys200Asn)

Gene: ANKRD26 (ankyrin repeat domain containing 26; minus strand). Cytogenetic location: 10p12.1.
Variant type: single nucleotide variant.
Coding change: c.600G>T on transcript NM_014915.3 (MANE Select); coding-DNA position 600, G replaced by T.
Protein change: p.Lys200Asn; replaces lysine 200 with asparagine.
Molecular consequence: missense variant.
Genome position (GRCh38, 1-based): chr10:27,092,444, C>A on the plus strand (G>T on the coding strand, the complement: ANKRD26 is on the minus strand). VCF-style: chr10-27092444-C-A. GRCh37 (hg19) VCF-style: chr10-27381373-C-A.
Other names: c.600G>T, p.Lys200Asn (NM_001256053.2); short protein forms K200N.
Identifiers: ClinVar variation 3912942 (VCV003912942.1).

ClinVar aggregate classification (germline): Uncertain significance (1 of 4 stars; one submission).

Conditions:
Inborn genetic diseases. Identifiers: MedGen C0950123, MeSH D030342.

Submission:

Ambry Genetics
Classification: Uncertain significance for Inborn genetic diseases. Last evaluated: 2025-03-17. Review status: criteria provided, single submitter. Criteria: Ambry Variant Classification Scheme 2023. Collection method: clinical testing. Allele origin: germline.
Comment: The p.K200N variant (also known as c.600G>T), located in coding exon 4 of the ANKRD26 gene, results from a G to T substitution at nucleotide position 600. The lysine at codon 200 is replaced by asparagine, an amino acid with similar properties. This amino acid position is conserved. In addition, this alteration is predicted to be tolerated by in silico analysis. Based on the available evidence, the clinical significance of this variant remains unclear.